The following is an entry in ClinVar:

ClinVar aggregate classification (germline): Uncertain significance (1 of 4 stars; one submission).

gnomAD v4.1: 2 of 1,614,064 alleles (0.00012%); highest among the groups gnomAD compares: South Asian, 0.0011%; no homozygotes.

Submission:

Labcorp Genetics (formerly Invitae), Labcorp
Classification: Uncertain significance. Last evaluated: 2022-09-06. Review status: criteria provided, single submitter. Criteria: Invitae Variant Classification Sherloc (09022015). Collection method: clinical testing. Allele origin: germline.
Comment: This variant has not been reported in the literature in individuals affected with P3H2-related conditions. This variant is not present in population databases (gnomAD no frequency). This sequence change replaces histidine, which is basic and polar, with tyrosine, which is neutral and polar, at codon 558 of the P3H2 protein (p.His558Tyr). Algorithms developed to predict the effect of missense changes on protein structure and function are either unavailable or do not agree on the potential impact of this missense change (SIFT: "Deleterious"; PolyPhen-2: "Probably Damaging"; Align-GVGD: "Class C15"). In summary, the available evidence is currently insufficient to determine the role of this variant in disease. Therefore, it has been classified as a Variant of Uncertain Significance.

NM_018192.4(P3H2):c.1672C>T (p.His558Tyr)

Gene: P3H2 (prolyl 3-hydroxylase 2; minus strand). Cytogenetic location: 3q28.
Variant type: single nucleotide variant.
Coding change: c.1672C>T on transcript NM_018192.4 (MANE Select); coding-DNA position 1672, C replaced by T.
Protein change: p.His558Tyr; replaces histidine 558 with tyrosine.
Molecular consequence: missense variant.
Genome position (GRCh38, 1-based): chr3:189,972,901, G>A on the plus strand (C>T on the coding strand, the complement: P3H2 is on the minus strand). VCF-style: chr3-189972901-G-A. GRCh37 (hg19) VCF-style: chr3-189690690-G-A.
Other names: c.1129C>T, p.His377Tyr (NM_001134418.2); short protein forms H377Y, H558Y.
Identifiers: ClinVar variation 1955376 (VCV001955376.5), dbSNP rs142826976, ClinGen allele CA355753049.
Genomic context (GRCh38, chr3:189,972,901, plus strand): 5'-GTAAAAGGGAACCATTTCAGACTGCAATCTCACCAGACAGGGCTGTTCGGCAGACCATGT[G>A]TGTATAGGAAAAATACAGAGTTGAGTTCAGCATAAAATAAGATTCTACAATCCTTCGAGC-3'
Protein context (NP_060662.2, residues 548-568): LNSTLYFSYT[His558Tyr]MVCRTALSGQ